The following is an entry in ClinVar:

ClinVar aggregate classification (germline): Benign. Review status: criteria provided, multiple submitters, no conflicts (2 of 4 stars). 6 submissions from 5 submitters: Benign (5). 1 of the submissions does not count toward it. Last evaluated 2023-11-02.

Conditions:
ATR-related disorder. Also called: ATR-related condition.
Familial cutaneous telangiectasia and oropharyngeal predisposition cancer syndrome. Identifiers: Orphanet 313846, MedGen C3281203, MONDO:0013806, OMIM 614564.
Seckel syndrome 1 (SCKL1). Also called: MICROCEPHALIC PRIMORDIAL DWARFISM I. Identifiers: Orphanet 808, MedGen C4551474, MONDO:0008869, OMIM 210600.

Submissions (6):

ARUP Laboratories, Molecular Genetics and Genomics, ARUP Laboratories
Classification: Benign. Last evaluated: 2023-11-02. Review status: criteria provided, single submitter. Criteria: ARUP Molecular Germline Variant Investigation Process 2024. Collection method: clinical testing. Allele origin: germline.

Genome-Nilou Lab
Classification: Benign for Seckel syndrome 1. Last evaluated: 2023-02-08. Review status: criteria provided, single submitter. Criteria: ACMG Guidelines, 2015. Collection method: clinical testing. Allele origin: germline.

Genome-Nilou Lab
Classification: Benign for Familial cutaneous telangiectasia and oropharyngeal predisposition cancer syndrome. Last evaluated: 2023-02-08. Review status: criteria provided, single submitter. Criteria: ACMG Guidelines, 2015. Collection method: clinical testing. Allele origin: germline.

Labcorp Genetics (formerly Invitae), Labcorp
Classification: Benign. Last evaluated: 2019-08-16. Review status: criteria provided, single submitter. Criteria: Invitae Variant Classification Sherloc (09022015). Collection method: clinical testing. Allele origin: germline.

Eurofins Ntd Llc (ga)
Classification: Benign. Last evaluated: 2014-11-14. Review status: criteria provided, single submitter. Criteria: EGL Classification Definitions 2015. Collection method: clinical testing. Allele origin: germline. Observed: 1 variant allele, 1 heterozygote.

PreventionGenetics, part of Exact Sciences
Classification: Benign for ATR-related condition. Last evaluated: 2021-06-28. Review status: no assertion criteria provided. Collection method: clinical testing. Allele origin: germline. Not counted in ClinVar's aggregate classification.
Comment: This variant is classified as benign based on ACMG/AMP sequence variant interpretation guidelines (Richards et al. 2015 PMID: 25741868, with internal and published modifications).

NM_001184.4(ATR):c.5739-14_5739-9del

Gene: ATR (ATR checkpoint kinase; minus strand). Cytogenetic location: 3q23.
Variant type: Deletion.
Coding change: c.5739-14_5739-9del on transcript NM_001184.4 (MANE Select); 14 bases into the intron before coding-DNA position 5739 through 9 bases into the intron before coding-DNA position 5739, 6 bases deleted (GTTACT; older notation c.5739-14_5739-9delGTTACT).
Molecular consequence: intron variant.
Genome position (GRCh38, 1-based): chr3:142,496,529-142,496,534, AGTAAC deleted on the plus strand (GTTACT on the coding strand, the reverse complement: ATR is on the minus strand); deleting any 6 consecutive bases within chr3:142,496,529-142,496,535 gives the same sequence; the c. name uses the placement nearest the transcript's 3' end. VCF-style (leftmost placement, unchanged base first): chr3-142496528-AAGTAAC-A. GRCh37 (hg19) VCF-style: chr3-142215370-AAGTAAC-A.
Other names: c.5547-14_5547-9del (NM_001354579.2); c.5739-14_5739-9del (NM_001184.3); c.5739-14_5739-9del6 (NM_001184.3).
Identifiers: ClinVar variation 196887 (VCV000196887.25), dbSNP rs72272981, ClinGen allele CA202623.
Genomic context (GRCh38, chr3:142,496,528, plus strand): 5'-CTACCCTGGCACTCTGCAGCCAGCATTCTCCAACCATTTCATTGTAATCTGGTCTAAAGG[AAGTAAC>A]AACACATTGGTGAGAGAGACCATTGGTAAGTGTACACAACAACTTAACTTAAAACAATTT-3'